The following is an entry in ClinVar:

ClinVar aggregate classification (germline): Uncertain significance (1 of 4 stars; one submission).

Submission:

Labcorp Genetics (formerly Invitae), Labcorp
Classification: Uncertain significance. Last evaluated: 2023-03-08. Review status: criteria provided, single submitter. Criteria: Invitae Variant Classification Sherloc (09022015). Collection method: clinical testing. Allele origin: germline.
Comment: This sequence change replaces alanine, which is neutral and non-polar, with valine, which is neutral and non-polar, at codon 616 of the MCM4 protein (p.Ala616Val). This variant is not present in population databases (gnomAD no frequency). This variant has not been reported in the literature in individuals affected with MCM4-related conditions. Advanced modeling of protein sequence and biophysical properties (such as structural, functional, and spatial information, amino acid conservation, physicochemical variation, residue mobility, and thermodynamic stability) performed at Invitae indicates that this missense variant is expected to disrupt MCM4 protein function. In summary, the available evidence is currently insufficient to determine the role of this variant in disease. Therefore, it has been classified as a Variant of Uncertain Significance.

NM_182746.3(MCM4):c.1847C>T (p.Ala616Val)

Gene: MCM4 (minichromosome maintenance complex component 4; plus strand). Cytogenetic location: 8q11.21.
Variant type: single nucleotide variant.
Coding change: c.1847C>T on transcript NM_182746.3 (MANE Select); coding-DNA position 1847, C replaced by T.
Protein change: p.Ala616Val; replaces alanine 616 with valine.
Molecular consequence: missense variant.
Genome position (GRCh38, 1-based): chr8:47,971,387, C>T. VCF-style: chr8-47971387-C-T. GRCh37 (hg19) VCF-style: chr8-48883947-C-T.
Other names: c.1847C>T, p.Ala616Val (NM_005914.4); short protein forms A616V.
Identifiers: ClinVar variation 2843944 (VCV002843944.3), dbSNP rs2551884794, ClinGen allele CA371153306.